The following is an entry in ClinVar:

ClinVar aggregate classification (germline): Uncertain significance (1 of 4 stars; one submission).

Conditions:
Developmental and epileptic encephalopathy, 65. Also called: EPILEPTIC ENCEPHALOPATHY, EARLY INFANTILE, 65. Identifiers: MedGen C4693925, MONDO:0033374, OMIM 618008.

Submission:

3billion
Classification: Uncertain significance for Developmental and epileptic encephalopathy, 65. Last evaluated: 2025-02-21. Review status: criteria provided, single submitter. Criteria: ACMG Guidelines, 2015. Collection method: clinical testing. Allele origin: germline. Affected: yes.
Comment: The variant is not observed in the gnomAD v4.1.0 dataset. Predicted Consequence/Location: Missense variant. Missense changes are a common disease-causing mechanism. Damaging effect on gene or gene product predicted by in silico programs is uncertain [REVEL: 0.35 (damaging >=0.6, benign <0.4), 3Cnet: 0.35 (damaging >=0.6, benign <0.15)]. Therefore, this variant is classified as VUS according to the recommendation of ACMG/AMP guideline.

NM_001037333.3(CYFIP2):c.944T>C (p.Leu315Pro)

Gene: CYFIP2 (cytoplasmic FMR1 interacting protein 2; plus strand). Cytogenetic location: 5q33.3.
Variant type: single nucleotide variant.
Coding change: c.944T>C on transcript NM_001037333.3 (MANE Select); coding-DNA position 944, T replaced by C.
Protein change: p.Leu315Pro; replaces leucine 315 with proline.
Molecular consequence: missense variant.
Genome position (GRCh38, 1-based): chr5:157,309,786, T>C. VCF-style: chr5-157309786-T-C. GRCh37 (hg19) VCF-style: chr5-156736794-T-C.
Other names: c.866T>C, p.Leu289Pro (NM_001291721.2); c.944T>C, p.Leu315Pro (NM_001291722.2, NM_014376.4); short protein forms L289P, L315P.
Identifiers: ClinVar variation 4293148 (VCV004293148.1).